The following is an entry in ClinVar:

ClinVar aggregate classification (germline): Uncertain significance (1 of 4 stars; one submission).

Allele frequency attached by ClinVar (database versions not stated): TOPMed 0.00001.

Submission:

Labcorp Genetics (formerly Invitae), Labcorp
Classification: Uncertain significance. Last evaluated: 2023-07-27. Review status: criteria provided, single submitter. Criteria: Invitae Variant Classification Sherloc (09022015). Collection method: clinical testing. Allele origin: germline.
Comment: This sequence change replaces asparagine, which is neutral and polar, with threonine, which is neutral and polar, at codon 649 of the ATP1A1 protein (p.Asn649Thr). This variant is not present in population databases (gnomAD no frequency). This variant has not been reported in the literature in individuals affected with ATP1A1-related conditions. Advanced modeling of protein sequence and biophysical properties (such as structural, functional, and spatial information, amino acid conservation, physicochemical variation, residue mobility, and thermodynamic stability) performed at Invitae indicates that this missense variant is not expected to disrupt ATP1A1 protein function. In summary, the available evidence is currently insufficient to determine the role of this variant in disease. Therefore, it has been classified as a Variant of Uncertain Significance.

NM_000701.8(ATP1A1):c.1946A>C (p.Asn649Thr)

Genes: ATP1A1 (ATPase Na+/K+ transporting subunit alpha 1; plus strand), ATP1A1-AS1 (ATP1A1 antisense RNA 1; minus strand). Cytogenetic location: 1p13.1.
Variant type: single nucleotide variant.
Coding change: c.1946A>C on transcript NM_000701.8 (MANE Select); coding-DNA position 1946, A replaced by C.
Protein change: p.Asn649Thr; replaces asparagine 649 with threonine.
Molecular consequence: missense variant.
Genome position (GRCh38, 1-based): chr1:116,396,707, A>C. VCF-style: chr1-116396707-A-C. GRCh37 (hg19) VCF-style: chr1-116939329-A-C.
Other names: c.1946A>C, p.Asn649Thr (NM_001160233.2); c.1853A>C, p.Asn618Thr (NM_001160234.2); short protein forms N618T, N649T.
Identifiers: ClinVar variation 2747508 (VCV002747508.3), dbSNP rs1395827507, ClinGen allele CA341772256.